The following is an entry in ClinVar:

NM_001005361.3(DNM2):c.2153G>A (p.Arg718Gln)

Gene: DNM2 (dynamin 2; plus strand). Cytogenetic location: 19p13.2.
Variant type: single nucleotide variant.
Coding change: c.2153G>A on transcript NM_001005361.3 (MANE Select); coding-DNA position 2153, G replaced by A.
Protein change: p.Arg718Gln; replaces arginine 718 with glutamine.
Molecular consequence: missense variant.
Genome position (GRCh38, 1-based): chr19:10,829,130, G>A. VCF-style: chr19-10829130-G-A. GRCh37 (hg19) VCF-style: chr19-10939806-G-A.
Other names: c.2153G>A, p.Arg718Gln (NM_001005360.3, NM_001190716.2); c.2141G>A, p.Arg714Gln (NM_001005362.3, NM_004945.4); short protein forms R718Q, R714Q.
Identifiers: ClinVar variation 837508 (VCV000837508.14), dbSNP rs753677038, ClinGen allele CA9201536.

ClinVar aggregate classification (germline): Uncertain significance. Review status: criteria provided, multiple submitters, no conflicts (2 of 4 stars). 4 submissions from 4 submitters: Uncertain significance (4). Last evaluated 2025-08-04.

Conditions:
Inborn genetic diseases. Identifiers: MedGen C0950123, MeSH D030342.
Charcot-Marie-Tooth disease dominant intermediate B (CMTDIB). Also called: CHARCOT-MARIE-TOOTH NEUROPATHY, DOMINANT INTERMEDIATE B; Charcot-Marie-Tooth disease dominant intermediate 1; CMT DI1; Charcot-Marie-Tooth disease dominant intermediate I. Identifiers: Orphanet 100044, Orphanet 228179, MedGen C1847902, MONDO:0011674, OMIM 606482.

Allele frequency attached by ClinVar (database versions not stated): gnomAD 0.00001; ExAC 0.00002; gnomAD exomes 0.00002 and 0.00003; TOPMed 0.00002.
gnomAD v4.1: 26 of 1,613,738 alleles (0.0016%); highest among the groups gnomAD compares: East Asian, 0.0089%; no homozygotes.

Submissions (4):

Labcorp Genetics (formerly Invitae), Labcorp
Classification: Uncertain significance for Charcot-Marie-Tooth disease dominant intermediate B. Last evaluated: 2025-08-04. Review status: criteria provided, single submitter. Criteria: Invitae Variant Classification Sherloc (09022015). Collection method: clinical testing. Allele origin: germline.
Comment: This sequence change replaces arginine, which is basic and polar, with glutamine, which is neutral and polar, at codon 718 of the DNM2 protein (p.Arg718Gln). This variant is present in population databases (rs753677038, gnomAD 0.01%). This missense change has been observed in individual(s) with centronuclear myopathy (PMID: 25501959). ClinVar contains an entry for this variant (Variation ID: 837508). Invitae Evidence Modeling of protein sequence and biophysical properties (such as structural, functional, and spatial information, amino acid conservation, physicochemical variation, residue mobility, and thermodynamic stability) has been performed for this missense variant. However, the output from this modeling did not meet the statistical confidence thresholds required to predict the impact of this variant on DNM2 protein function. In summary, the available evidence is currently insufficient to determine the role of this variant in disease. Therefore, it has been classified as a Variant of Uncertain Significance.

Revvity Omics, Revvity
Classification: Uncertain significance. Last evaluated: 2023-08-31. Review status: criteria provided, single submitter. Criteria: ACMG Guidelines, 2015. Collection method: clinical testing. Allele origin: germline.

Ambry Genetics
Classification: Uncertain significance for Inborn genetic diseases. Last evaluated: 2021-06-22. Review status: criteria provided, single submitter. Criteria: Ambry Variant Classification Scheme 2023. Collection method: clinical testing. Allele origin: germline.
Comment: The p.R718Q variant (also known as c.2153G>A), located in coding exon 19 of the DNM2 gene, results from a G to A substitution at nucleotide position 2153. The arginine at codon 718 is replaced by glutamine, an amino acid with highly similar properties. This variant was detected in an individual with centronuclear myopathy, who also had a known pathogenic variant in DNM2 (Chen T et al. Neurol Sci, 2015 May;36:735-41). This amino acid position is highly conserved in available vertebrate species. In addition, the in silico prediction for this alteration is inconclusive. Since supporting evidence is limited at this time, the clinical significance of this alteration remains unclear.

GeneDx
Classification: Uncertain significance. Last evaluated: 2020-08-26. Review status: criteria provided, single submitter. Criteria: GeneDx Variant Classification Process June 2021. Collection method: clinical testing. Allele origin: germline. Affected: yes.
Comment: Reported in a patient with centronuclear myopathy; this patient also had a pathogenic variant in the DNM2 gene identified (Chen et al., 2015); In silico analysis supports that this missense variant has a deleterious effect on protein structure/function; Missense variants in this gene are often considered pathogenic (Stenson et al., 2014); This variant is associated with the following publications: (PMID: 25501959)

Literature cited by the submitters: PubMed 25501959 (cited by Labcorp Genetics (formerly Invitae), Labcorp and Ambry Genetics).